The following is an entry in ClinVar:

NC_000015.10:g.84817038C>A

Gene: ALPK3 (alpha kinase 3; plus strand). Cytogenetic location: 15q25.3.
Variant type: single nucleotide variant.
Genome position: GRCh38 VCF-style: chr15-84817038-C-A. GRCh37 (hg19) VCF-style: chr15-85360269-C-A.
Other names: short protein forms C64*.
Identifiers: ClinVar variation 726266 (VCV000726266.16), dbSNP rs115479471, ClinGen allele CA7708811.
Genomic context (GRCh38, chr15:84,817,038, plus strand): 5'-CTGGCCAGCGGTTGACCTGGCTCCCCTGGCCCCGGCCAGGCCTCGTGGACCCCTCATATG[C>A]CACACGGGACATGAGCAGGCCGGCCGGGAGCCGGGTCCCGGGAGCTCCACGAAGGGGCCT-3'

ClinVar aggregate classification (germline): Benign/Likely benign. Review status: criteria provided, multiple submitters, no conflicts (2 of 4 stars). 5 submissions from 5 submitters: Benign (3); Likely benign (1). 1 of the submissions does not count toward it. Last evaluated 2026-01-21.

Conditions:
Cardiovascular phenotype. Identifiers: MedGen CN230736.
Cardiomyopathy, familial hypertrophic 27. Identifiers: MedGen C4748014, MONDO:0054838, OMIM 618052.
ALPK3-related disorder. Also called: ALPK3-related condition.

Allele frequency attached by ClinVar (database versions not stated): gnomAD 0.00045 and 0.00070; gnomAD exomes 0.00081 and 0.00130; ExAC 0.00160; 1000 Genomes Project 0.00319; 1000 Genomes Project 30x 0.00359; ESP Exome Variant Server 0.00015; TOPMed 0.00078.

Submissions (5):

Labcorp Genetics (formerly Invitae), Labcorp
Classification: Benign. Last evaluated: 2026-01-21. Review status: criteria provided, single submitter. Criteria: Invitae Variant Classification Sherloc (09022015). Collection method: clinical testing. Allele origin: germline.

ARUP Laboratories, Molecular Genetics and Genomics, ARUP Laboratories
Classification: Benign for Cardiomyopathy, familial hypertrophic 27. Last evaluated: 2025-04-11. Review status: criteria provided, single submitter. Criteria: ARUP Molecular Germline Variant Investigation Process 2024. Collection method: clinical testing. Allele origin: germline.

Blueprint Genetics
Classification: Likely benign. Last evaluated: 2024-11-25. Review status: criteria provided, single submitter. Criteria: ACMG Guidelines, 2015. Collection method: clinical testing. Allele origin: germline.

Ambry Genetics
Classification: Benign for Cardiovascular phenotype. Last evaluated: 2019-06-13. Review status: criteria provided, single submitter. Criteria: Ambry Variant Classification Scheme 2023. Collection method: clinical testing. Allele origin: germline.

PreventionGenetics, part of Exact Sciences
Classification: Likely benign for ALPK3-related condition. Last evaluated: 2020-10-26. Review status: no assertion criteria provided. Collection method: clinical testing. Allele origin: germline. Not counted in ClinVar's aggregate classification.
Comment: This variant is classified as likely benign based on ACMG/AMP sequence variant interpretation guidelines (Richards et al. 2015 PMID: 25741868, with internal and published modifications).